The following is an entry in ClinVar:

ClinVar aggregate classification (germline): Uncertain significance (1 of 4 stars; one submission).

gnomAD v4.1: 1 of 1,614,050 alleles (0.000062%); highest among the groups gnomAD compares: Non-Finnish European, 0.000085%; no homozygotes.

Submission:

Dasa
Classification: Uncertain significance. Last evaluated: 2026-02-19. Review status: criteria provided, single submitter. Criteria: DASA Assertion Criteria. Collection method: clinical testing. Allele origin: germline.
Comment: NM_004818.3(DDX23):c.289C>T (p.His97Tyr) is a missense variant that results in the substitution of histidine with tyrosine. This variant is rare in population databases. The currently available literature and clinical evidence are not sufficient to establish a definitive association between this variant and the reported condition. Therefore, this variant is classified as a variant of uncertain significance.

NM_004818.3(DDX23):c.289C>T (p.His97Tyr)

Gene: DDX23 (DEAD-box helicase 23; minus strand). Cytogenetic location: 12q13.12.
Variant type: single nucleotide variant.
Coding change: c.289C>T on transcript NM_004818.3 (MANE Select); coding-DNA position 289, C replaced by T.
Protein change: p.His97Tyr; replaces histidine 97 with tyrosine.
Molecular consequence: missense variant.
Genome position (GRCh38, 1-based): chr12:48,843,971, G>A on the plus strand (C>T on the coding strand, the complement: DDX23 is on the minus strand). VCF-style: chr12-48843971-G-A. GRCh37 (hg19) VCF-style: chr12-49237754-G-A.
Other names: short protein forms H97Y.
Identifiers: ClinVar variation 4885731 (VCV004885731.2).